The following is an entry in ClinVar:

ClinVar aggregate classification (germline): Uncertain significance (1 of 4 stars; one submission).

Allele frequency attached by ClinVar (database versions not stated): gnomAD exomes below 0.00001; gnomAD 0.00001; 1000 Genomes Project 30x 0.00016; 1000 Genomes Project 0.00020.
gnomAD v4.1: 6 of 1,613,022 alleles (0.00037%); highest among the groups gnomAD compares: Admixed American, 0.005%; no homozygotes.

Submission:

GeneDx
Classification: Uncertain significance. Last evaluated: 2020-12-09. Review status: criteria provided, single submitter. Criteria: GeneDx Variant Classification Process June 2021. Collection method: clinical testing. Allele origin: germline. Affected: yes.
Comment: Has not been previously published as pathogenic or benign to our knowledge; Not observed in large population cohorts (Lek et al., 2016); In silico analysis supports that this missense variant does not alter protein structure/function

NM_001365276.2(TNXB):c.8122A>G (p.Ile2708Val)

Gene: TNXB (tenascin XB; minus strand). Cytogenetic location: 6p21.33.
Variant type: single nucleotide variant.
Coding change: c.8122A>G on transcript NM_001365276.2 (MANE Select); coding-DNA position 8122, A replaced by G.
Protein change: p.Ile2708Val; replaces isoleucine 2708 with valine.
Molecular consequence: missense variant.
Genome position (GRCh38, 1-based): chr6:32,056,607, T>C on the plus strand (A>G on the coding strand, the complement: TNXB is on the minus strand). VCF-style: chr6-32056607-T-C. GRCh37 (hg19) VCF-style: chr6-32024384-T-C.
Other names: c.8122A>G, p.Ile2708Val (NM_019105.8); short protein forms I2708V.
Identifiers: ClinVar variation 1312542 (VCV001312542.2), dbSNP rs573626491, ClinGen allele CA136905399.